The following is an entry in ClinVar:

ClinVar aggregate classification (germline): Uncertain significance (1 of 4 stars; one submission).

Submission:

Labcorp Genetics (formerly Invitae), Labcorp
Classification: Uncertain significance. Last evaluated: 2022-05-12. Review status: criteria provided, single submitter. Criteria: Invitae Variant Classification Sherloc (09022015). Collection method: clinical testing. Allele origin: germline.
Comment: This variant is not present in population databases (gnomAD no frequency). In summary, the available evidence is currently insufficient to determine the role of this variant in disease. Therefore, it has been classified as a Variant of Uncertain Significance. Algorithms developed to predict the effect of missense changes on protein structure and function are either unavailable or do not agree on the potential impact of this missense change (SIFT: "Tolerated"; PolyPhen-2: "Possibly Damaging"; Align-GVGD: "Class C0"). This variant has not been reported in the literature in individuals affected with SNRNP200-related conditions. This sequence change replaces alanine, which is neutral and non-polar, with glycine, which is neutral and non-polar, at codon 1941 of the SNRNP200 protein (p.Ala1941Gly).

NM_014014.5(SNRNP200):c.5822C>G (p.Ala1941Gly)

Gene: SNRNP200 (small nuclear ribonucleoprotein U5 subunit 200; minus strand). Cytogenetic location: 2q11.2.
Variant type: single nucleotide variant.
Coding change: c.5822C>G on transcript NM_014014.5 (MANE Select); coding-DNA position 5822, C replaced by G.
Protein change: p.Ala1941Gly; replaces alanine 1941 with glycine.
Molecular consequence: missense variant.
Genome position (GRCh38, 1-based): chr2:96,277,648, G>C on the plus strand (C>G on the coding strand, the complement: SNRNP200 is on the minus strand). VCF-style: chr2-96277648-G-C. GRCh37 (hg19) VCF-style: chr2-96943386-G-C.
Other names: short protein forms A1941G.
Identifiers: ClinVar variation 1993869 (VCV001993869.4), dbSNP rs1684690073, ClinGen allele CA347657715.